The following is an entry in ClinVar:

NM_005515.4(MNX1):c.1171C>A (p.Pro391Thr)

Gene: MNX1 (motor neuron and pancreas homeobox 1; minus strand). Cytogenetic location: 7q36.3.
Variant type: single nucleotide variant.
Coding change: c.1171C>A on transcript NM_005515.4 (MANE Select); coding-DNA position 1171, C replaced by A.
Protein change: p.Pro391Thr; replaces proline 391 with threonine.
Molecular consequence: missense variant.
Genome position (GRCh38, 1-based): chr7:157,005,555, G>T on the plus strand (C>A on the coding strand, the complement: MNX1 is on the minus strand). VCF-style: chr7-157005555-G-T. GRCh37 (hg19) VCF-style: chr7-156798249-G-T.
Other names: c.535C>A, p.Pro179Thr (NM_001165255.2); short protein forms P391T, P179T.
Identifiers: ClinVar variation 2998250 (VCV002998250.4), dbSNP rs767605620, ClinGen allele CA4589096.
Genomic context (GRCh38, chr7:157,005,555, plus strand): 5'-CCGCACCTGCTGGGCCGCGGGGCTCCTACTGGGGCGCGGGCTGGTGGCTGGGCCGCGGGG[G>T]CGGCGAGTCGTCCTCCGAGGAGCAGTCGGAGGAGGCGGCGTGGACGCTGGCGCCGTTGCT-3'
Protein context (NP_005506.3, residues 381-401): SDCSSEDDSP[Pro391Thr]PRPSHQPAPQ

ClinVar aggregate classification (germline): Uncertain significance. Review status: criteria provided, multiple submitters, no conflicts (2 of 4 stars). 2 submissions from 2 submitters: Uncertain significance (2). Last evaluated 2024-05-01.

Conditions:
Currarino triad. Identifiers: Orphanet 1552, MedGen C1531773, MONDO:0008305, OMIM 176450.

Allele frequency attached by ClinVar (database versions not stated): 1000 Genomes Project 30x 0.00031.
gnomAD v4.1: 109 of 1,553,942 alleles (0.007%); highest among the groups gnomAD compares: Non-Finnish European, 0.0092%; no homozygotes.

Submissions (2):

Labcorp Genetics (formerly Invitae), Labcorp
Classification: Uncertain significance. Last evaluated: 2024-05-01. Review status: criteria provided, single submitter. Criteria: Invitae Variant Classification Sherloc (09022015). Collection method: clinical testing. Allele origin: germline.
Comment: This sequence change replaces proline, which is neutral and non-polar, with threonine, which is neutral and polar, at codon 391 of the MNX1 protein (p.Pro391Thr). This variant is present in population databases (rs767605620, gnomAD 0.006%). This variant has not been reported in the literature in individuals affected with MNX1-related conditions. Experimental studies and prediction algorithms are not available or were not evaluated, and the functional significance of this variant is currently unknown. In summary, the available evidence is currently insufficient to determine the role of this variant in disease. Therefore, it has been classified as a Variant of Uncertain Significance.

Fulgent Genetics
Classification: Uncertain significance for Currarino triad. Last evaluated: 2024-04-05. Review status: criteria provided, single submitter. Criteria: ACMG Guidelines, 2015. Collection method: clinical testing. Allele origin: germline.